The following is an entry in ClinVar:

NM_001848.3(COL6A1):c.1557G>C (p.Glu519Asp)

Gene: COL6A1 (collagen type VI alpha 1 chain; plus strand). Cytogenetic location: 21q22.3.
Variant type: single nucleotide variant.
Coding change: c.1557G>C on transcript NM_001848.3 (MANE Select); coding-DNA position 1557, G replaced by C.
Protein change: p.Glu519Asp; replaces glutamic acid 519 with aspartic acid.
Molecular consequence: missense variant.
Genome position (GRCh38, 1-based): chr21:45,998,153, G>C. VCF-style: chr21-45998153-G-C. GRCh37 (hg19) VCF-style: chr21-47418067-G-C.
Other names: short protein forms E519D.
Identifiers: ClinVar variation 998741 (VCV000998741.12), dbSNP rs755375448, ClinGen allele CA10070397.

ClinVar aggregate classification (germline): Conflicting classifications of pathogenicity. Review status: criteria provided, conflicting classifications (1 of 4 stars). 4 submissions from 4 submitters: Uncertain significance (3); Benign (1). Last evaluated 2025-08-12.

Conditions:
Bethlem myopathy 1A. Also called: Bethlem Muscular Dystrophy; MYOPATHY, BENIGN CONGENITAL, WITH CONTRACTURES; Bethlem myopathy 1. Identifiers: Orphanet 610, MedGen CN029274, MONDO:0024530, OMIM 158810.
Inborn genetic diseases. Identifiers: MedGen C0950123, MeSH D030342.

Allele frequency attached by ClinVar (database versions not stated): ExAC 0.00001; gnomAD exomes 0.00001; gnomAD 0.00005 and 0.00006; TOPMed 0.00005.
gnomAD v4.1: 18 of 1,612,334 alleles (0.0011%); highest among the groups gnomAD compares: African/African-American, 0.016%; no homozygotes.

Submissions (4):

Ambry Genetics
Classification: Uncertain significance for Inborn genetic diseases. Last evaluated: 2025-08-12. Review status: criteria provided, single submitter. Criteria: Ambry Variant Classification Scheme 2023. Collection method: clinical testing. Allele origin: germline.

Labcorp Genetics (formerly Invitae), Labcorp
Classification: Benign for Bethlem myopathy 1A. Last evaluated: 2025-05-04. Review status: criteria provided, single submitter. Criteria: Invitae Variant Classification Sherloc (09022015). Collection method: clinical testing. Allele origin: germline.

Revvity Omics, Revvity
Classification: Uncertain significance. Last evaluated: 2024-06-19. Review status: criteria provided, single submitter. Criteria: ACMG Guidelines, 2015. Collection method: clinical testing. Allele origin: germline.

GeneDx
Classification: Uncertain significance. Last evaluated: 2019-05-07. Review status: criteria provided, single submitter. Criteria: GeneDx Variant Classification Process June 2021. Collection method: clinical testing. Allele origin: germline. Affected: yes.
Comment: In silico analysis, which includes protein predictors and evolutionary conservation, supports that this variant does not alter protein structure/function; Has not been previously published as pathogenic or benign to our knowledge